The following is an entry in ClinVar:

ClinVar aggregate classification (germline): Uncertain significance. Review status: criteria provided, multiple submitters, no conflicts (2 of 4 stars). 2 submissions from 2 submitters: Uncertain significance (2). Last evaluated 2025-01-17.

Conditions:
Biotin-responsive basal ganglia disease (BTBGD). Also called: THIAMINE METABOLISM DYSFUNCTION SYNDROME 2 (BIOTIN- AND THIAMINE-RESPONSIVE TYPE); Thiamine metabolism dysfunction syndrome 2 (biotin- or thiamine-responsive encephalopathy type 2); Thiamine Transporter-2 Deficiency; thiamine-responsive encephalopathy; Thiamine metabolism dysfunction syndrome type 2. Identifiers: Orphanet 199348, Orphanet 65284, MedGen C1843807, MONDO:0011841, OMIM 607483.
Inborn genetic diseases. Identifiers: MedGen C0950123, MeSH D030342.

Allele frequency attached by ClinVar (database versions not stated): gnomAD exomes below 0.00001; gnomAD 0.00001.
gnomAD v4.1: 6 of 1,614,100 alleles (0.00037%); highest among the groups gnomAD compares: African/African-American, 0.0013%; no homozygotes.

Submissions (2):

Ambry Genetics
Classification: Uncertain significance for Inborn genetic diseases. Last evaluated: 2025-01-17. Review status: criteria provided, single submitter. Criteria: Ambry Variant Classification Scheme 2023. Collection method: clinical testing. Allele origin: germline.

Labcorp Genetics (formerly Invitae), Labcorp
Classification: Uncertain significance for Biotin-responsive basal ganglia disease. Last evaluated: 2019-04-09. Review status: criteria provided, single submitter. Criteria: Invitae Variant Classification Sherloc (09022015). Collection method: clinical testing. Allele origin: germline.
Comment: In summary, the available evidence is currently insufficient to determine the role of this variant in disease. Therefore, it has been classified as a Variant of Uncertain Significance. Algorithms developed to predict the effect of missense changes on protein structure and function are either unavailable or do not agree on the potential impact of this missense change (SIFT: "Tolerated"; PolyPhen-2: "Probably Damaging"; Align-GVGD: "Class C25"). This variant has not been reported in the literature in individuals with SLC19A3-related conditions. This variant is not present in population databases (ExAC no frequency). This sequence change replaces phenylalanine with serine at codon 184 of the SLC19A3 protein (p.Phe184Ser). The phenylalanine residue is moderately conserved and there is a large physicochemical difference between phenylalanine and serine.

NM_025243.4(SLC19A3):c.551T>C (p.Phe184Ser)

Gene: SLC19A3 (solute carrier family 19 member 3; minus strand). Cytogenetic location: 2q36.3.
Variant type: single nucleotide variant.
Coding change: c.551T>C on transcript NM_025243.4 (MANE Select); coding-DNA position 551, T replaced by C.
Protein change: p.Phe184Ser; replaces phenylalanine 184 with serine.
Molecular consequence: missense variant.
Genome position (GRCh38, 1-based): chr2:227,699,164, A>G on the plus strand (T>C on the coding strand, the complement: SLC19A3 is on the minus strand). VCF-style: chr2-227699164-A-G. GRCh37 (hg19) VCF-style: chr2-228563880-A-G.
Other names: c.551T>C, p.Phe184Ser (NM_001371411.1, NM_001371412.1); c.539T>C, p.Phe180Ser (NM_001371413.1, NM_001371414.1); short protein forms F180S, F184S.
Identifiers: ClinVar variation 944342 (VCV000944342.11), dbSNP rs1329180844, ClinGen allele CA350876992.